The following is an entry in ClinVar:

ClinVar aggregate classification (germline): Uncertain significance (1 of 4 stars; one submission).

Conditions:
Huntington disease-like 1 (HDL1). Also called: HUNTINGTON-LIKE NEURODEGENERATIVE DISORDER 1; HUNTINGTON-LIKE NEURODEGENERATIVE DISORDER, AUTOSOMAL DOMINANT; PRION DISEASE, EARLY-ONSET, WITH PROMINENT PSYCHIATRIC FEATURES. Identifiers: Orphanet 157941, MedGen C1864112, MONDO:0011299, OMIM 603218.

Allele frequency attached by ClinVar (database versions not stated): TOPMed below 0.00001; ExAC 0.00001; gnomAD 0.00001; gnomAD exomes 0.00001.
gnomAD v4.1: 9 of 1,613,696 alleles (0.00056%); highest among the groups gnomAD compares: East Asian, 0.0022%; no homozygotes.

Submission:

Labcorp Genetics (formerly Invitae), Labcorp
Classification: Uncertain significance for Huntington disease-like 1. Last evaluated: 2024-10-22. Review status: criteria provided, single submitter. Criteria: Invitae Variant Classification Sherloc (09022015). Collection method: clinical testing. Allele origin: germline.
Comment: This sequence change replaces arginine, which is basic and polar, with cysteine, which is neutral and slightly polar, at codon 208 of the PRNP protein (p.Arg208Cys). This variant is present in population databases (rs55826236, gnomAD 0.007%). This variant has not been reported in the literature in individuals affected with PRNP-related conditions. ClinVar contains an entry for this variant (Variation ID: 1409869). Invitae Evidence Modeling of protein sequence and biophysical properties (such as structural, functional, and spatial information, amino acid conservation, physicochemical variation, residue mobility, and thermodynamic stability) indicates that this missense variant is not expected to disrupt PRNP protein function with a negative predictive value of 80%. This variant disrupts the p.Arg208 amino acid residue in PRNP. Other variant(s) that disrupt this residue have been determined to be pathogenic (PMID: 2458274, 8909447, 15739100, 15753435, 16533975). This suggests that this residue is clinically significant, and that variants that disrupt this residue are likely to be disease-causing. In summary, the available evidence is currently insufficient to determine the role of this variant in disease. Therefore, it has been classified as a Variant of Uncertain Significance.

Literature cited by the submitters: PubMed 2458274; PubMed 8909447; PubMed 15739100; PubMed 15753435; PubMed 16533975.

NM_000311.5(PRNP):c.622C>T (p.Arg208Cys)

Gene: PRNP (prion protein (Kanno blood group); plus strand). Cytogenetic location: 20p13.
Variant type: single nucleotide variant.
Coding change: c.622C>T on transcript NM_000311.5 (MANE Select); coding-DNA position 622, C replaced by T.
Protein change: p.Arg208Cys; replaces arginine 208 with cysteine.
Molecular consequence: missense variant. On other transcripts: 3 prime UTR variant (1).
Genome position (GRCh38, 1-based): chr20:4,699,842, C>T. VCF-style: chr20-4699842-C-T. GRCh37 (hg19) VCF-style: chr20-4680488-C-T.
Other names: c.622C>T, p.Arg208Cys (NM_001080121.3, NM_001080122.3, NM_001080123.3 and 1 more transcripts); c.*311C>T (NM_001271561.3); short protein forms R208C.
Identifiers: ClinVar variation 1409869 (VCV001409869.6), dbSNP rs55826236, ClinGen allele CA9752110.
Genomic context (GRCh38, chr20:4,699,842, plus strand): 5'-ACGGTCACCACAACCACCAAGGGGGAGAACTTCACCGAGACCGACGTTAAGATGATGGAG[C>T]GCGTGGTTGAGCAGATGTGTATCACCCAGTACGAGAGGGAATCTCAGGCCTATTACCAGA-3'
Protein context (NP_000302.1, residues 198-218): FTETDVKMME[Arg208Cys]VVEQMCITQY